The following is an entry in ClinVar:

NM_004446.3(EPRS1):c.2552A>G (p.Asn851Ser)

Gene: EPRS1 (glutamyl-prolyl-tRNA synthetase 1; minus strand). Cytogenetic location: 1q41.
Variant type: single nucleotide variant.
Coding change: c.2552A>G on transcript NM_004446.3 (MANE Select); coding-DNA position 2552, A replaced by G.
Protein change: p.Asn851Ser; replaces asparagine 851 with serine.
Molecular consequence: missense variant.
Genome position (GRCh38, 1-based): chr1:219,988,813, T>C on the plus strand (A>G on the coding strand, the complement: EPRS1 is on the minus strand). VCF-style: chr1-219988813-T-C. GRCh37 (hg19) VCF-style: chr1-220162155-T-C.
Other names: short protein forms N851S.
Identifiers: ClinVar variation 2129353 (VCV002129353.4), dbSNP rs1329886330, ClinGen allele CA344644663.

ClinVar aggregate classification (germline): Uncertain significance (1 of 4 stars; one submission).

Allele frequency attached by ClinVar (database versions not stated): gnomAD exomes below 0.00001; gnomAD 0.00001; TOPMed 0.00001.
gnomAD v4.1: 2 of 1,587,806 alleles (0.00013%); highest among the groups gnomAD compares: African/African-American, 0.0027%; no homozygotes.

Submission:

Labcorp Genetics (formerly Invitae), Labcorp
Classification: Uncertain significance. Last evaluated: 2022-05-10. Review status: criteria provided, single submitter. Criteria: Invitae Variant Classification Sherloc (09022015). Collection method: clinical testing. Allele origin: germline.
Comment: This sequence change replaces asparagine, which is neutral and polar, with serine, which is neutral and polar, at codon 851 of the EPRS protein (p.Asn851Ser). Algorithms developed to predict the effect of missense changes on protein structure and function (SIFT, PolyPhen-2, Align-GVGD) all suggest that this variant is likely to be tolerated. This variant has not been reported in the literature in individuals affected with EPRS-related conditions. This variant is present in population databases (no rsID available, gnomAD 0.007%). In summary, the available evidence is currently insufficient to determine the role of this variant in disease. Therefore, it has been classified as a Variant of Uncertain Significance.